The following is an entry in ClinVar:

ClinVar aggregate classification (germline): Uncertain significance (1 of 4 stars; one submission).

Conditions:
Charcot-Marie-Tooth disease type 4. Also called: Charcot-Marie-Tooth disease, type IV; Charcot-Marie-Tooth, Type 4. Identifiers: Orphanet 64749, MedGen C4082197, MONDO:0018995.

Allele frequency attached by ClinVar (database versions not stated): gnomAD exomes 0.00001 and 0.00002; ExAC 0.00005.
gnomAD v4.1: 11 of 1,613,262 alleles (0.00068%); highest among the groups gnomAD compares: South Asian, 0.012%; no homozygotes.

Submission:

Labcorp Genetics (formerly Invitae), Labcorp
Classification: Uncertain significance for Charcot-Marie-Tooth disease type 4. Last evaluated: 2021-07-26. Review status: criteria provided, single submitter. Criteria: Invitae Variant Classification Sherloc (09022015). Collection method: clinical testing. Allele origin: germline.
Comment: In summary, the available evidence is currently insufficient to determine the role of this variant in disease. Therefore, it has been classified as a Variant of Uncertain Significance. Algorithms developed to predict the effect of missense changes on protein structure and function are either unavailable or do not agree on the potential impact of this missense change (SIFT: "Deleterious"; PolyPhen-2: "Benign"; Align-GVGD: "Class C15"). This variant has not been reported in the literature in individuals affected with FIG4-related conditions. This variant is present in population databases (rs773166475, ExAC 0.04%). This sequence change replaces serine with phenylalanine at codon 590 of the FIG4 protein (p.Ser590Phe). The serine residue is moderately conserved and there is a large physicochemical difference between serine and phenylalanine.

NM_014845.6(FIG4):c.1769C>T (p.Ser590Phe)

Gene: FIG4 (FIG4 phosphoinositide 5-phosphatase; plus strand). Cytogenetic location: 6q21.
Variant type: single nucleotide variant.
Coding change: c.1769C>T on transcript NM_014845.6 (MANE Select); coding-DNA position 1769, C replaced by T.
Protein change: p.Ser590Phe; replaces serine 590 with phenylalanine.
Molecular consequence: missense variant.
Genome position (GRCh38, 1-based): chr6:109,776,940, C>T. VCF-style: chr6-109776940-C-T. GRCh37 (hg19) VCF-style: chr6-110098143-C-T.
Other names: short protein forms S590F.
Identifiers: ClinVar variation 1370021 (VCV001370021.8), dbSNP rs773166475, ClinGen allele CA3956178.